The following is an entry in ClinVar:

ClinVar aggregate classification (germline): Uncertain significance (1 of 4 stars; one submission).

Conditions:
Aicardi-Goutieres syndrome 6 (AGS6). Identifiers: Orphanet 51, MedGen C3539013, MONDO:0014007, OMIM 615010.
Symmetrical dyschromatosis of extremities (DSH). Also called: Dyschromatosis symmetrica hereditaria; DYSCHROMATOSIS SYMMETRICA HEREDITARIA 1; RETICULATE ACROPIGMENTATION OF DOHI; SYMMETRIC DYSCHROMATOSIS OF THE EXTREMITIES. Identifiers: Orphanet 41, MedGen C0406775, MONDO:0007483, OMIM 127400.

Submission:

Labcorp Genetics (formerly Invitae), Labcorp
Classification: Uncertain significance for Aicardi-Goutieres syndrome 6; Symmetrical dyschromatosis of extremities. Last evaluated: 2026-01-12. Review status: criteria provided, single submitter. Criteria: Invitae Variant Classification Sherloc (09022015). Collection method: clinical testing. Allele origin: germline.
Comment: This sequence change replaces histidine, which is basic and polar, with arginine, which is basic and polar, at codon 1075 of the ADAR protein (p.His1075Arg). This variant is not present in population databases (gnomAD no frequency). This missense change has been observed in individual(s) with dyschromatosis symmetrica hereditaria (PMID: 16215765). It has also been observed to segregate with disease in related individuals. Invitae Evidence Modeling of protein sequence and biophysical properties (such as structural, functional, and spatial information, amino acid conservation, physicochemical variation, residue mobility, and thermodynamic stability) indicates that this missense variant is not expected to disrupt ADAR protein function with a negative predictive value of 80%. In summary, the available evidence is currently insufficient to determine the role of this variant in disease. Therefore, it has been classified as a Variant of Uncertain Significance.

Literature cited by the submitters: PubMed 16215765.

NM_001111.5(ADAR):c.3224A>G (p.His1075Arg)

Gene: ADAR (adenosine deaminase RNA specific; minus strand). Cytogenetic location: 1q21.3.
Variant type: single nucleotide variant.
Coding change: c.3224A>G on transcript NM_001111.5 (MANE Select); coding-DNA position 3224, A replaced by G.
Protein change: p.His1075Arg; replaces histidine 1075 with arginine.
Molecular consequence: missense variant.
Genome position (GRCh38, 1-based): chr1:154,585,844, T>C on the plus strand (A>G on the coding strand, the complement: ADAR is on the minus strand). VCF-style: chr1-154585844-T-C. GRCh37 (hg19) VCF-style: chr1-154558320-T-C.
Other names: c.2339A>G, p.His780Arg (NM_001025107.3, NM_001193495.2, NM_001365046.1 and 2 more transcripts); c.3251A>G, p.His1084Arg (NM_001365045.1); c.2261A>G, p.His754Arg (NM_001365049.1); c.3146A>G, p.His1049Arg (NM_015840.4); c.3089A>G, p.His1030Arg (NM_015841.4); short protein forms H1075R, H1030R, H1084R, H754R, H1049R, H780R.
Identifiers: ClinVar variation 4783516 (VCV004783516.1).